The following is an entry in ClinVar:

NM_172107.4(KCNQ2):c.770A>G (p.Glu257Gly)

Gene: KCNQ2 (potassium voltage-gated channel subfamily Q member 2; minus strand). Cytogenetic location: 20q13.33.
Variant type: single nucleotide variant.
Coding change: c.770A>G on transcript NM_172107.4 (MANE Select); coding-DNA position 770, A replaced by G.
Protein change: p.Glu257Gly; replaces glutamic acid 257 with glycine.
Molecular consequence: missense variant.
Genome position (GRCh38, 1-based): chr20:63,442,452, T>C on the plus strand (A>G on the coding strand, the complement: KCNQ2 is on the minus strand). VCF-style: chr20-63442452-T-C. GRCh37 (hg19) VCF-style: chr20-62073805-T-C.
Other names: c.770A>G, p.Glu257Gly (NM_001382235.1, NM_004518.6, NM_172106.3 and 2 more transcripts); short protein forms E257G.
Identifiers: ClinVar variation 3775609 (VCV003775609.1).

ClinVar aggregate classification (germline): Likely pathogenic (1 of 4 stars; one submission).

Conditions:
Developmental and epileptic encephalopathy, 7 (DEE7). Also called: KCNQ2-Related Neonatal-Onset Developmental and Epileptic Encephalopathy (NEO-DEE); KCNQ2-Related Neonatal Epileptic Encephalopathy; Early infantile epileptic encephalopathy 7. Identifiers: Orphanet 439218, MedGen C3150986, MONDO:0013387, OMIM 613720.

Submission:

3billion
Classification: Likely pathogenic for Developmental and epileptic encephalopathy, 7. Last evaluated: 2024-02-15. Review status: criteria provided, single submitter. Criteria: ACMG Guidelines, 2015. Collection method: clinical testing. Allele origin: germline. Affected: yes.
Comment: The variant is not observed in the gnomAD v2.1.1 dataset. Predicted Consequence/Location: The variant is located in a mutational hot spot and/or well-established functional domain in which established pathogenic variants have been reported. Missense changes are a common disease-causing mechanism. In silico tool predictions suggest damaging effect of the variant on gene or gene product [3Cnet: 0.83 (>=0.6, sensitivity 0.72 and precision 0.9)]. Therefore, this variant is classified as Likely pathogenic according to the recommendation of ACMG/AMP guideline.